The following is an entry in ClinVar:

ClinVar aggregate classification (germline): Conflicting classifications of pathogenicity. Review status: criteria provided, conflicting classifications (1 of 4 stars). 9 submissions from 9 submitters: Uncertain significance (1); Benign (3); Likely benign (3). 2 of the submissions do not count toward it. Last evaluated 2026-09-01.

Conditions:
Megaconial type congenital muscular dystrophy (MDCMC). Also called: MUSCULAR DYSTROPHY, CONGENITAL, WITH MITOCHONDRIAL STRUCTURAL ABNORMALITIES; CHKB-Related Muscular Dystrophy; CHKB-Related Muscle Diseases. Identifiers: Orphanet 280671, MedGen C1865233, MONDO:0011246, OMIM 602541.

Allele frequency attached by ClinVar (database versions not stated): 1000 Genomes Project 30x 0.00172; 1000 Genomes Project 0.00200; gnomAD 0.00317 and 0.00334; TOPMed 0.00333; ExAC 0.00407; gnomAD exomes 0.00410 and 0.00482; ESP Exome Variant Server 0.00461.
gnomAD v4.1: 7,600 of 1,614,094 alleles (0.47%); highest among the groups gnomAD compares: Middle Eastern, 0.94%; 24 homozygotes.

Submissions (9):

CeGaT Center for Human Genetics Tuebingen
Classification: Likely benign. Last evaluated: 2026-09-01. Review status: criteria provided, single submitter. Criteria: CeGaT Center For Human Genetics Tuebingen Variant Classification Criteria Version 2. Collection method: clinical testing. Allele origin: germline. Affected: yes. Observed: 41 variant alleles.
Comment: CHKB: BP4, BS2

Labcorp Genetics (formerly Invitae), Labcorp
Classification: Benign for Megaconial type congenital muscular dystrophy. Last evaluated: 2026-02-02. Review status: criteria provided, single submitter. Criteria: Invitae Variant Classification Sherloc (09022015). Collection method: clinical testing. Allele origin: germline.

Mayo Clinic Laboratories, Mayo Clinic
Classification: Benign. Last evaluated: 2024-02-28. Review status: criteria provided, single submitter. Criteria: ACMG Guidelines, 2015. Collection method: clinical testing. Allele origin: germline. Observed: 8 variant alleles.

Illumina Laboratory Services, Illumina
Classification: Uncertain significance for Megaconial type congenital muscular dystrophy. Last evaluated: 2017-04-27. Review status: criteria provided, single submitter. Criteria: ICSL Variant Classification Criteria 13 December 2019. Collection method: clinical testing. Allele origin: germline.
Comment: This variant was observed as part of a predisposition screen in an ostensibly healthy population. A literature search was performed for the gene, cDNA change, and amino acid change (where applicable). Publications were found based on this search. However, the evidence from the literature, in combination with allele frequency data from public databases where available, was not sufficient to rule this variant in or out of causing disease. Therefore, this variant is classified as a variant of unknown significance.

Genetic Services Laboratory, University of Chicago
Classification: Likely benign. Last evaluated: 2016-08-02. Review status: criteria provided, single submitter. Criteria: ACMG Guidelines, 2015. Collection method: clinical testing. Allele origin: germline. Affected: no.

GeneDx
Classification: Benign. Last evaluated: 2016-06-27. Review status: criteria provided, single submitter. Criteria: GeneDx Variant Classification (06012015). Collection method: clinical testing. Allele origin: germline. Affected: yes.
Comment: This variant is considered likely benign or benign based on one or more of the following criteria: it is a conservative change, it occurs at a poorly conserved position in the protein, it is predicted to be benign by multiple in silico algorithms, and/or has population frequency not consistent with disease.

Center for Pediatric Genomic Medicine, Children's Mercy Hospital and Clinics
Classification: Likely benign. Last evaluated: 2016-05-10. Review status: criteria provided, single submitter. Criteria: ACMG Guidelines, 2015. Collection method: clinical testing. Allele origin: germline.
ClinVar note: Converted during submission from Likely Benign to Likely benign.

Clinical Genetics DNA and cytogenetics Diagnostics Lab, Erasmus MC, Erasmus Medical Center
Classification: Likely benign. Review status: no assertion criteria provided. Collection method: clinical testing. Allele origin: germline. Affected: yes. Study: VKGL Data-share Consensus. Not counted in ClinVar's aggregate classification.

Genome Diagnostics Laboratory, University Medical Center Utrecht
Classification: Likely benign. Review status: no assertion criteria provided. Collection method: clinical testing. Allele origin: germline. Affected: yes. Study: VKGL Data-share Consensus. Not counted in ClinVar's aggregate classification.

Literature cited by the submitters: PubMed 21665002 (cited by Illumina Laboratory Services, Illumina).

NM_005198.5(CHKB):c.983A>G (p.Gln328Arg)

Genes: CHKB (choline kinase beta; minus strand), CHKB-CPT1B (CHKB-CPT1B readthrough (NMD candidate); minus strand). Cytogenetic location: 22q13.33.
Variant type: single nucleotide variant.
Coding change: c.983A>G on transcript NM_005198.5 (MANE Select); coding-DNA position 983, A replaced by G.
Protein change: p.Gln328Arg; replaces glutamine 328 with arginine.
Molecular consequence: missense variant. On other transcripts: non-coding transcript variant (1).
Genome position (GRCh38, 1-based): chr22:50,579,775, T>C on the plus strand (A>G on the coding strand, the complement: CHKB is on the minus strand). VCF-style: chr22-50579775-T-C. GRCh37 (hg19) VCF-style: chr22-51018204-T-C.
Other names: p.Gln328Arg; short protein forms Q328R.
Identifiers: ClinVar variation 128730 (VCV000128730.63), dbSNP rs141381896, ClinGen allele CA231025.